The following is an entry in ClinVar:

NM_153252.5(BRWD3):c.763G>A (p.Ala255Thr)

Gene: BRWD3 (bromodomain and WD repeat domain containing 3; minus strand). Cytogenetic location: Xq21.1.
Variant type: single nucleotide variant.
Coding change: c.763G>A on transcript NM_153252.5 (MANE Select); coding-DNA position 763, G replaced by A.
Protein change: p.Ala255Thr; replaces alanine 255 with threonine.
Molecular consequence: missense variant.
Genome position (GRCh38, 1-based): chrX:80,744,082, C>T on the plus strand (G>A on the coding strand, the complement: BRWD3 is on the minus strand). VCF-style: chrX-80744082-C-T. GRCh37 (hg19) VCF-style: chrX-79999581-C-T.
Other names: short protein forms A255T.
Identifiers: ClinVar variation 1759931 (VCV001759931.2), dbSNP rs2520537209, ClinGen allele CA413606686.

ClinVar aggregate classification (germline): Uncertain significance (1 of 4 stars; one submission).

Conditions:
Inborn genetic diseases. Identifiers: MedGen C0950123, MeSH D030342.

Allele frequency attached by ClinVar (database versions not stated): gnomAD exomes 0.00001.
gnomAD v4.1: 6 of 1,211,405 alleles (0.0005%); highest among the groups gnomAD compares: Non-Finnish European, 0.00067%; no homozygotes.

Submission:

Ambry Genetics
Classification: Uncertain significance for Inborn genetic diseases. Last evaluated: 2018-05-15. Review status: criteria provided, single submitter. Criteria: Ambry Variant Classification Scheme 2023. Collection method: clinical testing. Allele origin: germline.
Comment: The p.A255T variant (also known as c.763G>A), located in coding exon 8 of the BRWD3 gene, results from a G to A substitution at nucleotide position 763. The alanine at codon 255 is replaced by threonine, an amino acid with similar properties. This amino acid position is highly conserved in available vertebrate species. In addition, this alteration is predicted to be tolerated by in silico analysis. Since supporting evidence is limited at this time, the clinical significance of this alteration remains unclear.